The following is an entry in ClinVar:

ClinVar aggregate classification (germline): Uncertain significance (1 of 4 stars; one submission).

Allele frequency attached by ClinVar (database versions not stated): ExAC 0.00002; gnomAD exomes below 0.00001 and 0.00001.
gnomAD v4.1: 2 of 1,614,034 alleles (0.00012%); highest among the groups gnomAD compares: Admixed American, 0.0017%; no homozygotes.

Submission:

Labcorp Genetics (formerly Invitae), Labcorp
Classification: Uncertain significance. Last evaluated: 2025-12-17. Review status: criteria provided, single submitter. Criteria: Invitae Variant Classification Sherloc (09022015). Collection method: clinical testing. Allele origin: germline.
Comment: This sequence change replaces leucine, which is neutral and non-polar, with serine, which is neutral and polar, at codon 1555 of the NBAS protein (p.Leu1555Ser). This variant is present in population databases (rs748735037, gnomAD 0.003%). This variant has not been reported in the literature in individuals affected with NBAS-related conditions. ClinVar contains an entry for this variant (Variation ID: 1474798). Invitae Evidence Modeling of protein sequence and biophysical properties (such as structural, functional, and spatial information, amino acid conservation, physicochemical variation, residue mobility, and thermodynamic stability) indicates that this missense variant is not expected to disrupt NBAS protein function with a negative predictive value of 95%. In summary, the available evidence is currently insufficient to determine the role of this variant in disease. Therefore, it has been classified as a Variant of Uncertain Significance.

NM_015909.4(NBAS):c.4664T>C (p.Leu1555Ser)

Gene: NBAS (NBAS subunit of NRZ tethering complex; minus strand). Cytogenetic location: 2p24.3.
Variant type: single nucleotide variant.
Coding change: c.4664T>C on transcript NM_015909.4 (MANE Select); coding-DNA position 4664, T replaced by C.
Protein change: p.Leu1555Ser; replaces leucine 1555 with serine.
Molecular consequence: missense variant. On other transcripts: non-coding transcript variant (1).
Genome position (GRCh38, 1-based): chr2:15,308,349, A>G on the plus strand (T>C on the coding strand, the complement: NBAS is on the minus strand). VCF-style: chr2-15308349-A-G. GRCh37 (hg19) VCF-style: chr2-15448473-A-G.
Other names: short protein forms L1555S.
Identifiers: ClinVar variation 1474798 (VCV001474798.8), dbSNP rs748735037, ClinGen allele CA1535549.